The following is an entry in ClinVar:

ClinVar aggregate classification (germline): Pathogenic (1 of 4 stars; one submission).

gnomAD v4.1: 1 of 1,579,586 alleles (0.000063%); highest among the groups gnomAD compares: Non-Finnish European, 0.000086%; no homozygotes.

Submission:

GeneDx
Classification: Pathogenic. Last evaluated: 2025-03-27. Review status: criteria provided, single submitter. Criteria: GeneDx Variant Classification Process June 2021. Collection method: clinical testing. Allele origin: germline. Affected: yes.
Comment: Canonical splice site variant predicted to result in an in-frame loss of the adjacent exon in a gene for which loss of function is a known mechanism of disease; Not observed at significant frequency in large population cohorts (gnomAD); This variant is associated with the following publications: (PMID: 29160006)

NM_130466.4(UBE3B):c.2254-2A>T

Gene: UBE3B (ubiquitin protein ligase E3B; plus strand). Cytogenetic location: 12q24.11.
Variant type: single nucleotide variant.
Coding change: c.2254-2A>T on transcript NM_130466.4 (MANE Select); the canonical splice acceptor site of the intron before coding-DNA position 2254, A replaced by T.
Molecular consequence: splice acceptor variant.
Genome position (GRCh38, 1-based): chr12:109,521,439, A>T. VCF-style: chr12-109521439-A-T. GRCh37 (hg19) VCF-style: chr12-109959244-A-T.
Other names: c.2254-2A>T (NM_183415.3).
Identifiers: ClinVar variation 4088143 (VCV004088143.1).